The following is an entry in ClinVar:

ClinVar aggregate classification (germline): Uncertain significance (1 of 4 stars; one submission).

Conditions:
Autosomal dominant nonsyndromic hearing loss 15 (DFNA15). Also called: Autosomal dominant nonsyndromic hearing loss 52; DEAFNESS, AUTOSOMAL DOMINANT 52. Identifiers: Orphanet 90635, MedGen C1865366, MONDO:0011226, OMIM 602459.

Submission:

Precision Medicine Center, Zhengzhou University
Classification: Uncertain significance for Autosomal dominant nonsyndromic hearing loss 15. Last evaluated: 2006-06-30. Review status: criteria provided, single submitter. Criteria: ClinGen HL ACMG Specifications v1. Collection method: clinical testing. Allele origin: paternal. Affected: yes.
Comment: PM2:The POU4F3 c.719A>C variant is absent or extremely rare in population databases, including gnomAD, supporting its rarity in the general population (PM2). However, no additional supporting evidence is currently available, including functional studies, segregation data, de novo occurrence, or case enrichment data. Therefore, there is insufficient evidence to establish a pathogenic role for this variant. Based on the ACMG/AMP guidelines, this variant meets the criterion PM2 and is therefore classified as a Variant of Uncertain Significance (VUS).

NM_002700.3(POU4F3):c.719A>C (p.Asn240Thr)

Genes: POU4F3 (POU class 4 homeobox 3; plus strand), RBM27-POU4F3 (RBM27-POU4F3 readthrough; plus strand). Cytogenetic location: 5q32.
Variant type: single nucleotide variant.
Coding change: c.719A>C on transcript NM_002700.3 (MANE Select); coding-DNA position 719, A replaced by C.
Protein change: p.Asn240Thr; replaces asparagine 240 with threonine.
Molecular consequence: missense variant. On other transcripts: 3 prime UTR variant (1).
Genome position (GRCh38, 1-based): chr5:146,340,146, A>C. VCF-style: chr5-146340146-A-C. GRCh37 (hg19) VCF-style: chr5-145719709-A-C.
Other names: c.*588A>C (NM_001414499.1); short protein forms N240T.
Identifiers: ClinVar variation 4857385 (VCV004857385.1).